The following is an entry in ClinVar:

ClinVar aggregate classification (germline): Uncertain significance (1 of 4 stars; one submission).

Conditions:
Evans syndrome, immunodeficiency, and premature immunosenescence associated with tripeptidyl-peptidase II deficiency. Identifiers: MedGen CN231723. Disease mechanism: loss of function.

Submission:

Labcorp Genetics (formerly Invitae), Labcorp
Classification: Uncertain significance for Evans syndrome, immunodeficiency, and premature immunosenescence associated with tripeptidyl-peptidase II deficiency. Last evaluated: 2023-08-04. Review status: criteria provided, single submitter. Criteria: Invitae Variant Classification Sherloc (09022015). Collection method: clinical testing. Allele origin: germline.
Comment: This variant results in a copy number gain of the genomic region encompassing exon(s) 6-8 of the TPP2 gene. While the exact position of this variant cannot be determined from the data, sub-genic copy number gains are generally in tandem (PMID: 25640679). This variant is predicted to be in-frame, and likely preserves the integrity of the reading frame. In summary, the available evidence is currently insufficient to determine the role of this variant in disease. Therefore, it has been classified as a Variant of Uncertain Significance. Experimental studies and prediction algorithms are not available or were not evaluated, and the functional significance of this variant is currently unknown. This variant has not been reported in the literature in individuals affected with TPP2-related conditions.

Literature cited by the submitters: PubMed 25640679.

NC_000013.10:g.(?_103275207)_(103280294_?)dup

Gene: TPP2 (tripeptidyl peptidase 2; plus strand). Cytogenetic location: 13q33.1.
Variant type: Duplication.
Identifiers: ClinVar variation 1007436 (VCV001007436.5).